The following is an entry in ClinVar:

ClinVar aggregate classification (germline): Uncertain significance (1 of 4 stars; one submission).

Conditions:
Beckwith-Wiedemann syndrome (BWS). Also called: EMG SYNDROME; Exomphalos macroglossia gigantism syndrome. Identifiers: Orphanet 116, MedGen C0004903, MONDO:0007534, OMIM 130650.

gnomAD v4.1: 7 of 1,552,400 alleles (0.00045%); highest among the groups gnomAD compares: South Asian, 0.0012%; no homozygotes.

Submission:

Labcorp Genetics (formerly Invitae), Labcorp
Classification: Uncertain significance for Beckwith-Wiedemann syndrome. Last evaluated: 2022-05-18. Review status: criteria provided, single submitter. Criteria: Invitae Variant Classification Sherloc (09022015). Collection method: clinical testing. Allele origin: germline.
Comment: ClinVar contains an entry for this variant (Variation ID: 574087). This sequence change replaces valine, which is neutral and non-polar, with leucine, which is neutral and non-polar, at codon 25 of the CDKN1C protein (p.Val25Leu). This variant is not present in population databases (gnomAD no frequency). This variant has not been reported in the literature in individuals affected with CDKN1C-related conditions. Algorithms developed to predict the effect of missense changes on protein structure and function (SIFT, PolyPhen-2, Align-GVGD) all suggest that this variant is likely to be tolerated. In summary, the available evidence is currently insufficient to determine the role of this variant in disease. Therefore, it has been classified as a Variant of Uncertain Significance.

NM_001122630.2(CDKN1C):c.40G>C (p.Val14Leu)

Gene: CDKN1C (cyclin dependent kinase inhibitor 1C; minus strand). Cytogenetic location: 11p15.4.
Variant type: single nucleotide variant.
Coding change: c.40G>C on transcript NM_001122630.2 (MANE Select); coding-DNA position 40, G replaced by C.
Protein change: p.Val14Leu; replaces valine 14 with leucine.
Molecular consequence: missense variant.
Genome position (GRCh38, 1-based): chr11:2,885,417, C>G on the plus strand (G>C on the coding strand, the complement: CDKN1C is on the minus strand). VCF-style: chr11-2885417-C-G. GRCh37 (hg19) VCF-style: chr11-2906647-C-G.
Other names: c.73G>C, p.Val25Leu (NM_000076.2, NM_001362474.2, LRG_533t1); c.40G>C, p.Val14Leu (NM_001122631.2, NM_001362475.2); short protein forms V25L, V14L.
Identifiers: ClinVar variation 574087 (VCV000574087.10), dbSNP rs758244300, ClinGen allele CA379147869.